The following is an entry in ClinVar:

NM_139276.3(STAT3):c.2257G>A (p.Glu753Lys)

Gene: STAT3 (signal transducer and activator of transcription 3; minus strand). Cytogenetic location: 17q21.2.
Variant type: single nucleotide variant.
Coding change: c.2257G>A on transcript NM_139276.3 (MANE Select); coding-DNA position 2257, G replaced by A.
Protein change: p.Glu753Lys; replaces glutamic acid 753 with lysine.
Molecular consequence: missense variant. On other transcripts: 3 prime UTR variant (7).
Genome position (GRCh38, 1-based): chr17:42,316,789, C>T on the plus strand (G>A on the coding strand, the complement: STAT3 is on the minus strand). VCF-style: chr17-42316789-C-T. GRCh37 (hg19) VCF-style: chr17-40468807-C-T.
Other names: c.2254G>A, p.Glu752Lys (NM_003150.4, NM_001369514.1, NM_001369516.1); c.*38G>A (NM_213662.2, NM_001384990.1, NM_001369517.1 and 4 more transcripts); c.2161G>A, p.Glu721Lys (NM_001384988.1); c.2158G>A, p.Glu720Lys (NM_001384989.1); c.2230G>A, p.Glu744Lys (NM_001384991.1); c.2197G>A, p.Glu733Lys (NM_001384992.1); c.2245G>A, p.Glu749Lys (NM_001384993.1); c.2257G>A, p.Glu753Lys (NM_001369512.1, NM_001369513.1); and 3 more; short protein forms E720K, E746K, E753K, E725K, E749K, E752K, E721K, E727K.
Identifiers: ClinVar variation 2949459 (VCV002949459.3), dbSNP rs2081269177, ClinGen allele CA399579739.

ClinVar aggregate classification (germline): Uncertain significance (1 of 4 stars; one submission).

Conditions:
STAT3 gain of function. Identifiers: MedGen C4288261.
Hyper-IgE recurrent infection syndrome 1, autosomal dominant. Also called: STAT3 Hyper IgE Syndrome; Hyper-IgE recurrent infection syndrome 1; JOB SYNDROME; HYPER-IgE SYNDROME 1, AUTOSOMAL DOMINANT, WITH RECURRENT INFECTIONS; Job's Syndrome. Identifiers: Orphanet 2314, MedGen C2936739, MONDO:0007818, OMIM 147060.

Submission:

Labcorp Genetics (formerly Invitae), Labcorp
Classification: Uncertain significance for STAT3 gain of function; Hyper-IgE recurrent infection syndrome 1, autosomal dominant. Last evaluated: 2023-06-29. Review status: criteria provided, single submitter. Criteria: Invitae Variant Classification Sherloc (09022015). Collection method: clinical testing. Allele origin: germline.
Comment: In summary, the available evidence is currently insufficient to determine the role of this variant in disease. Therefore, it has been classified as a Variant of Uncertain Significance. Variants that disrupt the consensus splice site are a relatively common cause of aberrant splicing (PMID: 17576681, 9536098). Algorithms developed to predict the effect of sequence changes on RNA splicing suggest that this variant may disrupt the consensus splice site. An algorithm developed to predict the effect of missense changes on protein structure and function (PolyPhen-2) suggests that this variant is likely to be tolerated. This variant has not been reported in the literature in individuals affected with STAT3-related conditions. This variant is not present in population databases (gnomAD no frequency). This sequence change replaces glutamic acid, which is acidic and polar, with lysine, which is basic and polar, at codon 753 of the STAT3 protein (p.Glu753Lys). This variant also falls at the last nucleotide of exon 23, which is part of the consensus splice site for this exon.

Literature cited by the submitters: PubMed 17576681; PubMed 9536098.